The following is an entry in ClinVar:

ClinVar aggregate classification (germline): Benign/Likely benign. Review status: criteria provided, multiple submitters, no conflicts (2 of 4 stars). 5 submissions from 5 submitters: Benign (2); Likely benign (3). Last evaluated 2026-01-23.

Conditions:
Autoinflammatory syndrome. Identifiers: Orphanet 93665, MedGen C3890737, MONDO:0019751.
TNF receptor-associated periodic fever syndrome (TRAPS) (FPF). Also called: TNF RECEPTOR-ASSOCIATED PERIODIC SYNDROME; TUMOR NECROSIS FACTOR RECEPTOR-ASSOCIATED PERIODIC SYNDROME; TNF receptor 1-associated periodic fever syndrome; FAMILIAL HIBERNIAN FEVER; Autosomal Dominant Familial Periodic Fever; TNF Receptor-Associated Periodic Fever Syndrome. Identifiers: Orphanet 32960, MedGen C1275126, MONDO:0007727, OMIM 142680.

Allele frequency attached by ClinVar (database versions not stated): gnomAD exomes 0.00003 and 0.00014; ExAC 0.00017; ESP Exome Variant Server 0.00023; TOPMed 0.00042; gnomAD 0.00048 and 0.00054.
gnomAD v4.1: 124 of 1,612,814 alleles (0.0077%); highest among the groups gnomAD compares: African/African-American, 0.15%; no homozygotes.

Submissions (7):

Women's Health and Genetics/Laboratory Corporation of America, LabCorp
Classification: Benign. Last evaluated: 2026-01-23. Review status: criteria provided, single submitter. Criteria: LabCorp Variant Classification Summary - May 2015. Collection method: clinical testing. Allele origin: germline.

Labcorp Genetics (formerly Invitae), Labcorp
Classification: Likely benign for TNF receptor-associated periodic fever syndrome (TRAPS). Last evaluated: 2025-10-27. Review status: criteria provided, single submitter. Criteria: Invitae Variant Classification Sherloc (09022015). Collection method: clinical testing. Allele origin: germline.

Blueprint Genetics
Classification: Likely benign. Last evaluated: 2022-07-14. Review status: criteria provided, single submitter. Criteria: ACMG Guidelines, 2015. Collection method: clinical testing. Allele origin: germline.

Genome Diagnostics Laboratory, The Hospital for Sick Children
Classification: Likely benign for Autoinflammatory syndrome. Last evaluated: 2019-06-01. Review status: criteria provided, single submitter. Criteria: ACMG Guidelines, 2015. Collection method: clinical testing. Allele origin: germline. Affected: yes.

GeneDx
Classification: Benign. Last evaluated: 2013-07-02. Review status: criteria provided, single submitter. Criteria: GeneDx Variant Classification (06012015). Collection method: clinical testing. Allele origin: germline. Affected: yes.
Comment: This variant is considered likely benign or benign based on one or more of the following criteria: it is a conservative change, it occurs at a poorly conserved position in the protein, it is predicted to be benign by multiple in silico algorithms, and/or has population frequency not consistent with disease.

Dr. Peter K. Rogan Lab, Western University
No classification provided (evidence only). Condition: Uterine corpus endometrial carcinoma. Review status: no classification provided. Collection method: in vitro. Allele origin: not applicable. Functional consequence: skipped exon. Not counted in ClinVar's aggregate classification.

Dr. Peter K. Rogan Lab, Western University
No classification provided (evidence only). Condition: Cervical cancer. Review status: no classification provided. Collection method: in vitro. Allele origin: not applicable. Functional consequence: retained intron. Not counted in ClinVar's aggregate classification.

NM_001065.4(TNFRSF1A):c.769-3C>T

Gene: TNFRSF1A (TNF receptor superfamily member 1A; minus strand). Cytogenetic location: 12p13.31.
Variant type: single nucleotide variant.
Coding change: c.769-3C>T on transcript NM_001065.4 (MANE Select); 3 bases into the intron before coding-DNA position 769, C replaced by T.
Molecular consequence: intron variant.
Genome position (GRCh38, 1-based): chr12:6,330,069, G>A on the plus strand (C>T on the coding strand, the complement: TNFRSF1A is on the minus strand). VCF-style: chr12-6330069-G-A. GRCh37 (hg19) VCF-style: chr12-6439235-G-A.
Other names: c.445-3C>T (NM_001346091.2); c.310-3C>T (NM_001346092.2).
Identifiers: ClinVar variation 137681 (VCV000137681.17), dbSNP rs199743143, ClinGen allele CA291338.
Genomic context (GRCh38, chr12:6,330,069, plus strand): 5'-TGGGACTGAAGCTTGGGTTTGGGGCCAGGGGCTTAGTAGTAGTTCCTTCAAGCTCCCCCT[G>A]AAAGAGAGAAGGTGGCGCAGCATTAGTGCGGCAGCGAAAACCAGCCCCGGCCCTCTTTAT-3'